The following is an entry in ClinVar:

ClinVar aggregate classification (germline): Uncertain significance. Review status: criteria provided, multiple submitters, no conflicts (2 of 4 stars). 2 submissions from 2 submitters: Uncertain significance (2). Last evaluated 2026-08-20.

Conditions:
Dyskeratosis congenita, autosomal recessive 5 (DKCB5). Identifiers: MedGen C3554656, MONDO:0014076, OMIM 615190.
Pulmonary fibrosis and/or bone marrow failure, Telomere-related, 3. Also called: PULMONARY FIBROSIS AND/OR BONE MARROW FAILURE SYNDROME, TELOMERE-RELATED, 3. Identifiers: Orphanet 2032, MedGen C4225346, MONDO:0014613, OMIM 616373.

Allele frequency attached by ClinVar (database versions not stated): TOPMed below 0.00001.

Submissions (2):

Myriad Genetics, Inc.
Classification: Uncertain significance for Dyskeratosis congenita, autosomal recessive 5. Last evaluated: 2026-08-20. Review status: criteria provided, single submitter. Criteria: Myriad Autosomal Dominant, Autosomal Recessive and X-Linked Classification Criteria (2023). Collection method: clinical testing. Allele origin: unknown.
Comment: NM_001283009.1(RTEL1):c.3358G>A(V1120M) is a missense variant classified as a variant of uncertain significance in the context of RTEL1-related disorders. V1120M has been observed in a case with relevant disease (PMID: 28495916). Relevant functional assessments of this variant are not available in the literature. V1120M has not been observed in referenced population frequency databases. In summary, there is insufficient evidence to classify NM_001283009.1(RTEL1):c.3358G>A(V1120M) as pathogenic or benign. Please note: this variant was assessed in the context of healthy population screening.

Labcorp Genetics (formerly Invitae), Labcorp
Classification: Uncertain significance for Dyskeratosis congenita, autosomal recessive 5; Pulmonary fibrosis and/or bone marrow failure, Telomere-related, 3. Last evaluated: 2021-10-27. Review status: criteria provided, single submitter. Criteria: Invitae Variant Classification Sherloc (09022015). Collection method: clinical testing. Allele origin: germline.
Comment: This sequence change replaces valine, which is neutral and non-polar, with methionine, which is neutral and non-polar, at codon 1120 of the RTEL1 protein (p.Val1120Met). This variant is not present in population databases (gnomAD no frequency). This variant has not been reported in the literature in individuals affected with RTEL1-related conditions. Algorithms developed to predict the effect of missense changes on protein structure and function are either unavailable or do not agree on the potential impact of this missense change (SIFT: "Deleterious"; PolyPhen-2: "Possibly Damaging"; Align-GVGD: "Class C0"). In summary, the available evidence is currently insufficient to determine the role of this variant in disease. Therefore, it has been classified as a Variant of Uncertain Significance.

Literature cited by the submitters: PubMed 28495916 (cited by Myriad Genetics, Inc.).

NM_001283009.2(RTEL1):c.3358G>A (p.Val1120Met)

Genes: RTEL1 (regulator of telomere elongation helicase 1; plus strand), RTEL1-TNFRSF6B (RTEL1-TNFRSF6B readthrough (NMD candidate); plus strand). Cytogenetic location: 20q13.33.
Variant type: single nucleotide variant.
Coding change: c.3358G>A on transcript NM_001283009.2 (MANE Select); coding-DNA position 3358, G replaced by A.
Protein change: p.Val1120Met; replaces valine 1120 with methionine.
Molecular consequence: missense variant. On other transcripts: non-coding transcript variant (1).
Genome position (GRCh38, 1-based): chr20:63,695,080, G>A. VCF-style: chr20-63695080-G-A. GRCh37 (hg19) VCF-style: chr20-62326433-G-A.
Other names: c.2689G>A, p.Val897Met (NM_001283010.1); c.3358G>A, p.Val1120Met (NM_016434.4); c.3430G>A, p.Val1144Met (NM_032957.5); short protein forms V1120M, V1144M, V897M.
Identifiers: ClinVar variation 1428816 (VCV001428816.4), dbSNP rs1232203927, ClinGen allele CA409685270.